The following is an entry in ClinVar:

NM_003482.4(KMT2D):c.4139G>T (p.Cys1380Phe)

Gene: KMT2D (lysine methyltransferase 2D; minus strand). Cytogenetic location: 12q13.12.
Variant type: single nucleotide variant.
Coding change: c.4139G>T on transcript NM_003482.4 (MANE Select); coding-DNA position 4139, G replaced by T.
Protein change: p.Cys1380Phe; replaces cysteine 1380 with phenylalanine.
Molecular consequence: missense variant.
Genome position (GRCh38, 1-based): chr12:49,048,062, C>A on the plus strand (G>T on the coding strand, the complement: KMT2D is on the minus strand). VCF-style: chr12-49048062-C-A. GRCh37 (hg19) VCF-style: chr12-49441845-C-A.
Other names: short protein forms C1380F.
Identifiers: ClinVar variation 2580621 (VCV002580621.1), dbSNP rs2120621215, ClinGen allele CA384649798.
Genomic context (GRCh38, chr12:49,048,062, plus strand): 5'-CACTGCGAACAGGCAAGGAGGTGGCCCTCTGCCCCCCGGCCAAAGCTGCCACATACCACA[C>A]ACATGTCCTGGGGAAACACAGAGAAACCCAAATGTCCAACTAGATCTCCCCATCCCACTC-3'
Protein context (NP_003473.3, residues 1370-1390): TDKFVLMQDM[Cys1380Phe]VVCGSFGRGA

ClinVar aggregate classification (germline): Likely pathogenic (1 of 4 stars; one submission).

Submission:

GeneDx
Classification: Likely pathogenic. Last evaluated: 2023-03-22. Review status: criteria provided, single submitter. Criteria: GeneDx Variant Classification Process June 2021. Collection method: clinical testing. Allele origin: germline. Affected: yes.
Comment: Not observed at significant frequency in large population cohorts (gnomAD); In silico analysis supports that this missense variant has a deleterious effect on protein structure/function; This variant is associated with the following publications: (PMID: 33502061)